The following is an entry in ClinVar:

ClinVar aggregate classification (germline): Uncertain significance (1 of 4 stars; one submission).

Conditions:
Ataxia-telangiectasia syndrome (AT). Also called: Ataxia telangiectasia (A-T); Cerebello-oculocutaneous telangiectasia; Immunodeficiency with ataxia telangiectasia; Ataxia-telangiectasia, complementation group D; AT, COMPLEMENTATION GROUP C; LOUIS-BAR SYNDROME. Identifiers: Orphanet 100, MedGen C0004135, MONDO:0008840, OMIM 208900.

Submission:

Labcorp Genetics (formerly Invitae), Labcorp
Classification: Uncertain significance for Ataxia-telangiectasia syndrome. Last evaluated: 2025-04-06. Review status: criteria provided, single submitter. Criteria: Invitae Variant Classification Sherloc (09022015). Collection method: clinical testing. Allele origin: germline.
Comment: This sequence change falls in intron 15 of the ATM gene. It does not directly change the encoded amino acid sequence of the ATM protein. This variant is not present in population databases (gnomAD no frequency). This variant has not been reported in the literature in individuals affected with ATM-related conditions. Studies have shown that this variant is associated with inconclusive levels of altered splicing (internal data). In summary, the available evidence is currently insufficient to determine the role of this variant in disease. Therefore, it has been classified as a Variant of Uncertain Significance.

NM_000051.4(ATM):c.2377-5T>G

Gene: ATM (ATM serine/threonine kinase; plus strand). Cytogenetic location: 11q22.3.
Variant type: single nucleotide variant.
Coding change: c.2377-5T>G on transcript NM_000051.4 (MANE Select); 5 bases into the intron before coding-DNA position 2377, T replaced by G.
Molecular consequence: intron variant.
Genome position (GRCh38, 1-based): chr11:108,258,981, T>G. VCF-style: chr11-108258981-T-G. GRCh37 (hg19) VCF-style: chr11-108129708-T-G.
Other names: c.2377-5T>G (NM_001351834.2).
Identifiers: ClinVar variation 4765943 (VCV004765943.1).